The following is an entry in ClinVar:

ClinVar aggregate classification (germline): Conflicting classifications of pathogenicity. Review status: criteria provided, conflicting classifications (1 of 4 stars). 2 submissions from 2 submitters: Uncertain significance (1); Likely benign (1). Last evaluated 2023-12-19.

Conditions:
Long QT syndrome (LQTS). Identifiers: MedGen C0023976, MeSH D008133, MONDO:0002442. Disease mechanism: loss of function. Inheritance: Various modes of inheritance.
Cardiac arrhythmia. Also called: Arrhythmia; Cardiac rhythm disease. Identifiers: MedGen C0003811, MONDO:0007263, HP:0011675.

Allele frequency attached by ClinVar (database versions not stated): gnomAD exomes 0.00001 and 0.00004; gnomAD 0.00003 and 0.00004; TOPMed 0.00002.
gnomAD v4.1: 54 of 1,592,274 alleles (0.0034%); highest among the groups gnomAD compares: African/African-American, 0.0054%; 1 homozygote.

Submissions (2):

Labcorp Genetics (formerly Invitae), Labcorp
Classification: Uncertain significance for Long QT syndrome. Last evaluated: 2023-12-19. Review status: criteria provided, single submitter. Criteria: Invitae Variant Classification Sherloc (09022015). Collection method: clinical testing. Allele origin: germline.
Comment: This sequence change falls in intron 13 of the KCNH2 gene. It does not directly change the encoded amino acid sequence of the KCNH2 protein. It affects a nucleotide within the consensus splice site. This variant is present in population databases (no rsID available, gnomAD 0.01%). This variant has not been reported in the literature in individuals affected with KCNH2-related conditions. ClinVar contains an entry for this variant (Variation ID: 456923). Variants that disrupt the consensus splice site are a relatively common cause of aberrant splicing (PMID: 17576681, 9536098). Algorithms developed to predict the effect of sequence changes on RNA splicing suggest that this variant is not likely to affect RNA splicing. In summary, the available evidence is currently insufficient to determine the role of this variant in disease. Therefore, it has been classified as a Variant of Uncertain Significance.

Color Diagnostics, LLC DBA Color Health
Classification: Likely benign for Arrhythmia. Last evaluated: 2018-12-03. Review status: criteria provided, single submitter. Criteria: ACMG Guidelines, 2015. Collection method: clinical testing. Allele origin: germline.

Literature cited by the submitters: PubMed 17576681 (cited by Labcorp Genetics (formerly Invitae), Labcorp); PubMed 9536098 (cited by Labcorp Genetics (formerly Invitae), Labcorp).

NM_000238.4(KCNH2):c.3153-3C>T

Gene: KCNH2 (potassium voltage-gated channel subfamily H member 2; minus strand). Cytogenetic location: 7q36.1.
Variant type: single nucleotide variant.
Coding change: c.3153-3C>T on transcript NM_000238.4 (MANE Select); 3 bases into the intron before coding-DNA position 3153, C replaced by T.
Molecular consequence: intron variant.
Genome position (GRCh38, 1-based): chr7:150,947,057, G>A on the plus strand (C>T on the coding strand, the complement: KCNH2 is on the minus strand). VCF-style: chr7-150947057-G-A. GRCh37 (hg19) VCF-style: chr7-150644145-G-A.
Other names: c.2133-3C>T (NM_172057.3).
Identifiers: ClinVar variation 456923 (VCV000456923.12), dbSNP rs1165322354, ClinGen allele CA579075293.